The following is an entry in ClinVar:

NM_001164508.2(NEB):c.4555_4556del (p.Asp1519fs)

Gene: NEB (nebulin; minus strand). Cytogenetic location: 2q23.3.
Variant type: Deletion.
Coding change: c.4555_4556del on transcript NM_001164508.2 (MANE Select); coding-DNA positions 4555 to 4556, 2 bases deleted (GA; older notation c.4555_4556delGA).
Protein change: p.Asp1519fs; shifts the reading frame from aspartic acid 1519.
Molecular consequence: frameshift variant.
Genome position (GRCh38, 1-based): chr2:151,669,082-151,669,083, TC deleted on the plus strand (GA on the coding strand, the reverse complement: NEB is on the minus strand). VCF-style (leftmost placement, unchanged base first): chr2-151669081-GTC-G. GRCh37 (hg19) VCF-style: chr2-152525595-GTC-G.
Other names: c.4555_4556del, p.Asp1519fs (NM_001164507.2, NM_001271208.2, NM_004543.5); short protein forms D1519fs.
Identifiers: ClinVar variation 1724161 (VCV001724161.2), dbSNP rs2552259326, ClinGen allele CA2580064025.

ClinVar aggregate classification (germline): Likely pathogenic (1 of 4 stars; one submission).

Conditions:
Nemaline myopathy 2 (NEM2). Also called: Nemaline myopathy 2, autosomal recessive. Identifiers: MedGen C1850569, MONDO:0009725, OMIM 256030.

Submission:

Myriad Genetics, Inc.
Classification: Likely pathogenic for Nemaline myopathy 2. Last evaluated: 2022-01-28. Review status: criteria provided, single submitter. Criteria: Myriad Women's Health Autosomal Recessive and X-Linked Classification Criteria (2021). Collection method: clinical testing. Allele origin: unknown.
Comment: NM_001271208.1(NEB):c.4555_4556delGA(D1519Pfs*2) is expected to be pathogenic in the context of NEB-related nemaline myopathy. This variant is predicted to lead to an abnormal or absent protein product due to the creation of a premature termination codon in NEB, a gene where loss-of-function variants are known to be pathogenic. Please note: this variant was assessed in the context of healthy population screening.